The following is an entry in ClinVar:

ClinVar aggregate classification (germline): Likely benign. Review status: criteria provided, multiple submitters, no conflicts (2 of 4 stars). 2 submissions from 2 submitters: Likely benign (2). Last evaluated 2026-08-01.

Submissions (2):

CeGaT Center for Human Genetics Tuebingen
Classification: Likely benign. Last evaluated: 2026-08-01. Review status: criteria provided, single submitter. Criteria: CeGaT Center For Human Genetics Tuebingen Variant Classification Criteria Version 2. Collection method: clinical testing. Allele origin: germline. Affected: yes. Observed: 6 variant alleles.
Comment: CACNA1G: BS1

Blueprint Genetics
Classification: Likely benign. Last evaluated: 2024-06-17. Review status: criteria provided, single submitter. Criteria: ACMG Guidelines, 2015. Collection method: clinical testing. Allele origin: germline.

NM_018896.5(CACNA1G):c.354+5GT[18]

Gene: CACNA1G (calcium voltage-gated channel subunit alpha1 G; plus strand). Cytogenetic location: 17q21.33.
Variant type: Microsatellite.
Coding change: c.354+5GT[18] on transcript NM_018896.5 (MANE Select); 18 copies in a row of the 2-base unit GT starting at c.354+5; the reference has 15 copies in a row; three copies, 6 bases duplicated.
Molecular consequence: intron variant.
Genome position (GRCh38, 1-based): chr17:50,569,010-50,569,015, GTGTGT duplicated; duplicating any 6 consecutive bases within chr17:50,568,986-50,569,015 gives the same sequence; the position shown is the placement nearest the transcript's 3' end. VCF-style (leftmost placement, unchanged base first): chr17-50568985-A-AGTGTGT. GRCh37 (hg19) VCF-style: chr17-48646346-A-AGTGTGT.
Other names: c.354+5GT[18] (NM_001256359.2, NM_001256326.2, NM_001256330.2 and 24 more transcripts).
Identifiers: ClinVar variation 2647895 (VCV002647895.25), dbSNP rs3833150, ClinGen allele CA772837678.
Genomic context (GRCh38, chr17:50,568,985, plus strand): 5'-ATGTTCCGGCCATGCGAGGACATCGCCTGTGACTCCCAGCGCTGCCGGATCCTGCAGGTG[A>AGTGTGT]GTGTGTGTGTGTGTGTGTGTGTGTGTGTGTTGTGTGTGTTGGGGGTTGGCCCCTCTTAAT-3'